The following is an entry in ClinVar:

NM_015120.4:c.12184_12185insAlu

Gene: ALMS1 (ALMS1 centrosome and basal body associated protein; plus strand). Cytogenetic location: 2p13.1.
Variant type: Insertion.
Identifiers: ClinVar variation 870291 (VCV000870291.2).

ClinVar aggregate classification (germline): Pathogenic. Review status: criteria provided, multiple submitters, no conflicts (2 of 4 stars). 2 submissions from 2 submitters: Pathogenic (2). Last evaluated 2025-12-09.

Conditions:
Alstrom syndrome (ALMS). Identifiers: Orphanet 64, MedGen C0268425, MONDO:0008763, OMIM 203800.
Cardiovascular phenotype. Identifiers: MedGen CN230736.

Submissions (2):

Ambry Genetics
Classification: Pathogenic for Cardiovascular phenotype. Last evaluated: 2025-12-09. Review status: criteria provided, single submitter. Criteria: Ambry Variant Classification Scheme 2023. Collection method: clinical testing. Allele origin: germline.
Comment: The c.12184_12185insALU pathogenic mutation results from the insertion of an Alu element between nucleotides 12184 and 12185 in coding exon 20 of the ALMS1 gene. Mobile element insertions contribute to pathogenicity by either disrupting the coding sequence or inducing aberrant splicing (Belancio VP et al. Semin. Cancer Biol. 2010 Aug;20:200-10; Deininger P et al. Genome Biol. 2011 Dec;12:236; van der Klift HM Hum Mutat. 2012 Jul;33(7):1051-5). Based on the supporting evidence, this variant is interpreted as a disease-causing mutation.

Labcorp Genetics (formerly Invitae), Labcorp
Classification: Pathogenic for Alstrom syndrome. Last evaluated: 2019-12-13. Review status: criteria provided, single submitter. Criteria: Invitae Variant Classification Sherloc (09022015). Collection method: clinical testing. Allele origin: germline.
Comment: This sequence change inserts a large fragment of DNA, likely a transposable element, in exon 20 of the ALMS1 gene (c.12184_12185insAlu), causing a frameshift at codon 4062 (p.Leu4062fs). The exact size and sequence of the insertion cannot be determined by the current assay. However, the insertion is expected to result in an absent or disrupted protein product. This variant is not present in population databases (ExAC no frequency). This variant has not been reported in the literature in individuals with ALMS1-related conditions. Retrotransposon insertions including LINE1 (L1), Alu, and SVA (SINE-VNTR-Alu) have been reported to be disease-causing through disruption of either a coding region or splice site (PMID: 19763152, 20307669, 22406018) and loss-of-function variants in ALMS1 are known to be pathogenic (PMID: 17594715). For these reasons, this variant has been classified as Pathogenic.

Literature cited by the submitters: PubMed 17594715 (cited by Labcorp Genetics (formerly Invitae), Labcorp); PubMed 19763152 (cited by Labcorp Genetics (formerly Invitae), Labcorp); PubMed 20307669 (cited by Labcorp Genetics (formerly Invitae), Labcorp); PubMed 22406018 (cited by Labcorp Genetics (formerly Invitae), Labcorp).